The following is an entry in ClinVar:

ClinVar aggregate classification (germline): Uncertain significance (1 of 4 stars; one submission).

Conditions:
Charcot-Marie-Tooth disease axonal type 2O. Also called: CHARCOT-MARIE-TOOTH NEUROPATHY, AXONAL, TYPE 2O; CHARCOT-MARIE-TOOTH DISEASE, AXONAL, AUTOSOMAL DOMINANT, TYPE 2O; Charcot-Marie-Tooth Neuropathy Type 2O; Charcot-Marie-Tooth disease, axonal, type 20. Identifiers: Orphanet 284232, MedGen C3280220, MONDO:0013644, OMIM 614228.

Allele frequency attached by ClinVar (database versions not stated): gnomAD exomes below 0.00001.
gnomAD v4.1: 1 of 1,598,818 alleles (0.000063%); highest among the groups gnomAD compares: East Asian, 0.0023%; no homozygotes.

Submission:

Labcorp Genetics (formerly Invitae), Labcorp
Classification: Uncertain significance for Charcot-Marie-Tooth disease axonal type 2O. Last evaluated: 2025-05-14. Review status: criteria provided, single submitter. Criteria: Invitae Variant Classification Sherloc (09022015). Collection method: clinical testing. Allele origin: germline.
Comment: This sequence change replaces alanine, which is neutral and non-polar, with valine, which is neutral and non-polar, at codon 51 of the DYNC1H1 protein (p.Ala51Val). This variant is not present in population databases (gnomAD no frequency). This variant has not been reported in the literature in individuals affected with DYNC1H1-related conditions. ClinVar contains an entry for this variant (Variation ID: 2850763). Invitae Evidence Modeling of protein sequence and biophysical properties (such as structural, functional, and spatial information, amino acid conservation, physicochemical variation, residue mobility, and thermodynamic stability) indicates that this missense variant is not expected to disrupt DYNC1H1 protein function with a negative predictive value of 95%. In summary, the available evidence is currently insufficient to determine the role of this variant in disease. Therefore, it has been classified as a Variant of Uncertain Significance.

NM_001376.5(DYNC1H1):c.152C>T (p.Ala51Val)

Gene: DYNC1H1 (dynein cytoplasmic 1 heavy chain 1; plus strand). Cytogenetic location: 14q32.31.
Variant type: single nucleotide variant.
Coding change: c.152C>T on transcript NM_001376.5 (MANE Select); coding-DNA position 152, C replaced by T.
Protein change: p.Ala51Val; replaces alanine 51 with valine.
Molecular consequence: missense variant.
Genome position (GRCh38, 1-based): chr14:101,964,843, C>T. VCF-style: chr14-101964843-C-T. GRCh37 (hg19) VCF-style: chr14-102431180-C-T.
Other names: short protein forms A51V.
Identifiers: ClinVar variation 2850763 (VCV002850763.3), dbSNP rs2503644269, ClinGen allele CA391003470.